The following is an entry in ClinVar:

ClinVar aggregate classification (germline): Uncertain significance. Review status: criteria provided, multiple submitters, no conflicts (2 of 4 stars). 2 submissions from 2 submitters: Uncertain significance (2). Last evaluated 2024-04-24.

Conditions:
Gastrointestinal stromal tumor. Also called: Gastrointestinal stromal tumor, somatic; Gastrointestinal stroma tumor. Identifiers: Orphanet 44890, MedGen C0238198, MeSH D046152, MONDO:0011719, OMIM 606764, HP:0100723.
Hereditary cancer-predisposing syndrome. Also called: Neoplastic Syndromes, Hereditary; Tumor predisposition; Hereditary Cancer Syndrome; Hereditary neoplastic syndrome. Identifiers: Orphanet 140162, MedGen C0027672, MeSH D009386, MONDO:0015356.

Allele frequency attached by ClinVar (database versions not stated): gnomAD exomes below 0.00001.

Submissions (2):

Ambry Genetics
Classification: Uncertain significance for Hereditary cancer-predisposing syndrome. Last evaluated: 2024-04-24. Review status: criteria provided, single submitter. Criteria: Ambry Variant Classification Scheme 2023. Collection method: clinical testing. Allele origin: germline.
Comment: The p.K702R variant (also known as c.2105A>G), located in coding exon 14 of the PDGFRA gene, results from an A to G substitution at nucleotide position 2105. The lysine at codon 702 is replaced by arginine, an amino acid with highly similar properties. This amino acid position is conserved. In addition, this alteration is predicted to be tolerated by in silico analysis. Based on the available evidence, the clinical significance of this variant remains unclear.

Labcorp Genetics (formerly Invitae), Labcorp
Classification: Uncertain significance for Gastrointestinal stromal tumor. Last evaluated: 2019-02-14. Review status: criteria provided, single submitter. Criteria: Invitae Variant Classification Sherloc (09022015). Collection method: clinical testing. Allele origin: germline.
Comment: This variant is not present in population databases (ExAC no frequency). In summary, the available evidence is currently insufficient to determine the role of this variant in disease. Therefore, it has been classified as a Variant of Uncertain Significance. Algorithms developed to predict the effect of missense changes on protein structure and function are either unavailable or do not agree on the potential impact of this missense change (SIFT: "Tolerated"; PolyPhen-2: "Possibly Damaging"; Align-GVGD: "Class C0"). This variant has not been reported in the literature in individuals with PDGFRA-related conditions. This sequence change replaces lysine with arginine at codon 702 of the PDGFRA protein (p.Lys702Arg). The lysine residue is highly conserved and there is a small physicochemical difference between lysine and arginine.

NM_006206.6(PDGFRA):c.2105A>G (p.Lys702Arg)

Gene: PDGFRA (platelet derived growth factor receptor alpha; plus strand). Cytogenetic location: 4q12.
Variant type: single nucleotide variant.
Coding change: c.2105A>G on transcript NM_006206.6 (MANE Select); coding-DNA position 2105, A replaced by G.
Protein change: p.Lys702Arg; replaces lysine 702 with arginine.
Molecular consequence: missense variant.
Genome position (GRCh38, 1-based): chr4:54,278,464, A>G. VCF-style: chr4-54278464-A-G. GRCh37 (hg19) VCF-style: chr4-55144631-A-G.
Other names: c.2105A>G, p.Lys702Arg (NM_001347827.2, NM_001347829.2); c.2180A>G, p.Lys727Arg (NM_001347828.2); c.2144A>G, p.Lys715Arg (NM_001347830.2); short protein forms K715R, K727R, K702R.
Identifiers: ClinVar variation 857568 (VCV000857568.11), dbSNP rs1388944809, ClinGen allele CA356894060.